The following is an entry in ClinVar:

ClinVar aggregate classification (germline): Likely benign. Review status: criteria provided, multiple submitters, no conflicts (2 of 4 stars). 5 submissions from 5 submitters: Likely benign (4). 1 of the submissions does not count toward it. Last evaluated 2025-10-29.

Conditions:
FGB-related disorder. Also called: FGB-related condition.

Allele frequency attached by ClinVar (database versions not stated): gnomAD exomes 0.00012 and 0.00031; ExAC 0.00042; TOPMed 0.00096; gnomAD 0.00111 and 0.00115; 1000 Genomes Project 0.00120; 1000 Genomes Project 30x 0.00125; ESP Exome Variant Server 0.00154.
gnomAD v4.1: 354 of 1,614,174 alleles (0.022%); highest among the groups gnomAD compares: African/African-American, 0.38%; 2 homozygotes.

Submissions (5):

Labcorp Genetics (formerly Invitae), Labcorp
Classification: Likely benign. Last evaluated: 2025-10-29. Review status: criteria provided, single submitter. Criteria: Invitae Variant Classification Sherloc (09022015). Collection method: clinical testing. Allele origin: germline.

Women's Health and Genetics/Laboratory Corporation of America, LabCorp
Classification: Likely benign. Last evaluated: 2025-01-13. Review status: criteria provided, single submitter. Criteria: LabCorp Variant Classification Summary - May 2015. Collection method: clinical testing. Allele origin: germline.
Comment: Variant summary: FGB c.367A>G (p.Ile123Val) results in a conservative amino acid change in the encoded protein sequence. Five of five in-silico tools predict a benign effect of the variant on protein function. The variant allele was found at a frequency of 0.00031 in 251340 control chromosomes, predominantly at a frequency of 0.0041 within the African or African-American subpopulation in the gnomAD database. The observed variant frequency within African or African-American control individuals in the gnomAD database exceeds the estimated maximal expected allele frequency for a pathogenic variant in FGB causing Afibrinogenemia, Congenital phenotype. To our knowledge, no occurrence of c.367A>G in individuals affected with Afibrinogenemia, Congenital and no experimental evidence demonstrating its impact on protein function have been reported. ClinVar contains an entry for this variant (Variation ID: 695914). Based on the evidence outlined above, the variant was classified as likely benign.

Blueprint Genetics
Classification: Likely benign. Last evaluated: 2024-06-26. Review status: criteria provided, single submitter. Criteria: ACMG Guidelines, 2015. Collection method: clinical testing. Allele origin: germline.

Breakthrough Genomics
Classification: Likely benign. Review status: criteria provided, single submitter. Criteria: ACMG Guidelines, 2015. Collection method: not provided. Allele origin: germline. Inheritance: Autosomal recessive inheritance. Affected: yes.

PreventionGenetics, part of Exact Sciences
Classification: Likely benign for FGB-related condition. Last evaluated: 2024-01-11. Review status: no assertion criteria provided. Collection method: clinical testing. Allele origin: germline. Not counted in ClinVar's aggregate classification.
Comment: This variant is classified as likely benign based on ACMG/AMP sequence variant interpretation guidelines (Richards et al. 2015 PMID: 25741868, with internal and published modifications).

NM_005141.5(FGB):c.367A>G (p.Ile123Val)

Gene: FGB (fibrinogen beta chain; plus strand). Cytogenetic location: 4q31.3.
Variant type: single nucleotide variant.
Coding change: c.367A>G on transcript NM_005141.5 (MANE Select); coding-DNA position 367, A replaced by G.
Protein change: p.Ile123Val; replaces isoleucine 123 with valine.
Molecular consequence: missense variant. On other transcripts: intron variant (1).
Genome position (GRCh38, 1-based): chr4:154,566,549, A>G. VCF-style: chr4-154566549-A-G. GRCh37 (hg19) VCF-style: chr4-155487701-A-G.
Other names: c.190A>G, p.Ile64Val (NM_001184741.1); c.367A>G, p.Ile123Val (NM_001382760.1, NM_001382761.1, NM_001382762.1 and 3 more transcripts); c.307-72A>G (NM_001382759.1); short protein forms I123V, I64V.
Identifiers: ClinVar variation 695914 (VCV000695914.12), dbSNP rs148045912, ClinGen allele CA3114517.
Genomic context (GRCh38, chr4:154,566,549, plus strand): 5'-GGGGTGTTGTGTCCTACAGGATGTCAGTTGCAAGAGGCTTTGCTACAACAGGAAAGGCCA[A>G]TCAGAAATAGTGTTGATGAGTTAAATAACAATGTGGAAGCTGTTTCCCAGACCTCCTCTT-3'
Protein context (NP_005132.2, residues 113-133): QEALLQQERP[Ile123Val]RNSVDELNNN